The following is an entry in ClinVar:

ClinVar aggregate classification (germline): Uncertain significance (1 of 4 stars; one submission).

Allele frequency attached by ClinVar (database versions not stated): gnomAD 0.00001; gnomAD exomes below 0.00001.
gnomAD v4.1: 2 of 1,613,396 alleles (0.00012%); highest among the groups gnomAD compares: Non-Finnish European, 0.00017%; no homozygotes.

Submission:

Labcorp Genetics (formerly Invitae), Labcorp
Classification: Uncertain significance. Last evaluated: 2025-05-30. Review status: criteria provided, single submitter. Criteria: Invitae Variant Classification Sherloc (09022015). Collection method: clinical testing. Allele origin: germline.
Comment: This sequence change replaces serine, which is neutral and polar, with glycine, which is neutral and non-polar, at codon 27 of the TSPAN12 protein (p.Ser27Gly). This variant is present in population databases (no rsID available, gnomAD 0.007%). This variant has not been reported in the literature in individuals affected with TSPAN12-related conditions. ClinVar contains an entry for this variant (Variation ID: 1977537). Invitae Evidence Modeling of protein sequence and biophysical properties (such as structural, functional, and spatial information, amino acid conservation, physicochemical variation, residue mobility, and thermodynamic stability) indicates that this missense variant is not expected to disrupt TSPAN12 protein function with a negative predictive value of 80%. In summary, the available evidence is currently insufficient to determine the role of this variant in disease. Therefore, it has been classified as a Variant of Uncertain Significance.

NM_012338.4(TSPAN12):c.79A>G (p.Ser27Gly)

Gene: TSPAN12 (tetraspanin 12; minus strand). Cytogenetic location: 7q31.31.
Variant type: single nucleotide variant.
Coding change: c.79A>G on transcript NM_012338.4 (MANE Select); coding-DNA position 79, A replaced by G.
Protein change: p.Ser27Gly; replaces serine 27 with glycine.
Molecular consequence: missense variant.
Genome position (GRCh38, 1-based): chr7:120,840,097, T>C on the plus strand (A>G on the coding strand, the complement: TSPAN12 is on the minus strand). VCF-style: chr7-120840097-T-C. GRCh37 (hg19) VCF-style: chr7-120480151-T-C.
Other names: short protein forms S27G.
Identifiers: ClinVar variation 1977537 (VCV001977537.5), dbSNP rs1392484658, ClinGen allele CA369141621.